The following is an entry in ClinVar:

ClinVar aggregate classification (germline): Benign (1 of 4 stars; one submission).

Conditions:
Deficiency of acetyl-CoA acetyltransferase. Also called: Beta-ketothiolase deficiency; 3-KETOTHIOLASE DEFICIENCY; 3-OXOTHIOLASE DEFICIENCY; MITOCHONDRIAL ACETOACETYL-CoA THIOLASE DEFICIENCY. Identifiers: Orphanet 134, MedGen C1536500, MONDO:0008760, OMIM 203750. Disease mechanism: loss of function.

Allele frequency attached by ClinVar (database versions not stated): gnomAD 0.29372 and 0.28837; TOPMed 0.29505; 1000 Genomes Project 30x 0.39101; 1000 Genomes Project 0.39876.

Submission:

Illumina Laboratory Services, Illumina
Classification: Benign for Deficiency of acetyl-CoA acetyltransferase. Last evaluated: 2018-01-12. Review status: criteria provided, single submitter. Criteria: ICSL Variant Classification Criteria 13 December 2019. Collection method: clinical testing. Allele origin: germline.
Comment: This variant was observed in the ICSL laboratory as part of a predisposition screen in an ostensibly healthy population. It had not been previously curated by ICSL or reported in the Human Gene Mutation Database (HGMD: prior to June 1st, 2018), and was therefore a candidate for classification through an automated scoring system. Utilizing variant allele frequency, disease prevalence and penetrance estimates, and inheritance mode, an automated score was calculated to assess if this variant is too frequent to cause the disease. Based on the score and internal cut-off values, a variant classified as benign is not then subjected to further curation. The score for this variant resulted in a classification of benign for this disease.

NM_000019.3(ACAT1):c.*599A>C

Gene: ACAT1 (acetyl-CoA acetyltransferase 1; plus strand). Cytogenetic location: 11q22.3.
Variant type: single nucleotide variant.
Coding change: c.*599A>C on transcript NM_000019.3; 599 bases downstream of the stop codon, A replaced by C.
Genome position (GRCh38, 1-based): chr11:108,147,989, A>C. VCF-style: chr11-108147989-A-C. GRCh37 (hg19) VCF-style: chr11-108018716-A-C.
Identifiers: ClinVar variation 302229 (VCV000302229.7), dbSNP rs2280332, ClinGen allele CA10636985.
Genomic context (GRCh38, chr11:108,147,989, plus strand): 5'-GGGGCAATTTCTTATAACCTCAACATTCAGGGTTGGGGGAGGTCAAGCAGAAAACCCTGG[A>C]GTTTGGGCTCTGAATTACTATAGCAGCATAGAGAGTGGGAAGGGAGGTAGAAACTGATAT-3'